The following is an entry in ClinVar:

ClinVar aggregate classification (germline): Pathogenic. Review status: criteria provided, multiple submitters, no conflicts (2 of 4 stars). 11 submissions from 11 submitters: Pathogenic (10). 1 of the submissions does not count toward it. Last evaluated 2026-04-24.

Conditions:
SLC26A4-related disorder. Also called: SLC26A4-related disorders; SLC26A4-related condition.
Rare genetic deafness. Identifiers: Orphanet 96210, MedGen C5680250.
Pendred syndrome (PDS). Also called: Pendred's syndrome; THYROID DYSHORMONOGENESIS 2B; THYROID HORMONOGENESIS, GENETIC DEFECT IN, 2B; Pendred Syndrome (PDS); DEAFNESS WITH GOITER; GOITER-DEAFNESS SYNDROME. Identifiers: Orphanet 705, MedGen C0271829, MONDO:0010134, OMIM 274600.
Autosomal recessive nonsyndromic hearing loss 4 (DFNB4). Also called: Deafness, autosomal recessive 4, with enlarged vestibular aqueduct; Enlarged vestibular aqueduct, digenic; Nonsyndromic enlarged vestibular aqueduct (NSEVA); FOXI1-Related Pendred Syndrome; KCNJ10-Related Pendred Syndrome; DEAFNESS, AUTOSOMAL RECESSIVE 4, WITH ENLARGED VESTIBULAR AQUEDUCT, DIGENIC. Identifiers: Orphanet 90636, MedGen C3538946, MONDO:0010933, OMIM 600791.

Submissions (11):

Victorian Clinical Genetics Services, Murdoch Childrens Research Institute
Classification: Pathogenic for Pendred syndrome. Last evaluated: 2026-04-24. Review status: criteria provided, single submitter. Criteria: ACMG Guidelines, 2015. Collection method: clinical testing. Allele origin: germline. Affected: yes.
Comment: This variant is classified as Pathogenic. Evidence in support of pathogenic classification: Canonical splice site variant without proven consequence on splicing (no functional evidence available); Variant is present in gnomAD <0.01 for a recessive condition (v4: 216 heterozygote(s), 0 homozygote(s)); This variant has strong previous evidence of pathogenicity in unrelated individuals. This variant has been classified as pathogenic by multiple clinical laboratories (ClinVar), and has been reported in the literature in a compound heterozygous state in individuals with hearing loss and enlarged vestibular aqueducts (PMID: 20601923, 19204907); Heterozygous variant detected in trans with a second PATHOGENIC heterozygous variant (NM_000441.2(SLC26A4):c.707T>C; p.(Leu236Pro)) in a recessive disease. Additional information: This variant is heterozygous; This gene is associated with autosomal recessive disease; No published functional evidence has been identified for this variant; Loss of function is a known mechanism of disease in this gene and is associated with deafness with enlarged vestibular aqueduct (MIM#600791), and Pendred syndrome (MIM#274600); Variants in this gene are known to have variable expressivity (PMID: 20301640).

PreventionGenetics, part of Exact Sciences
Classification: Pathogenic for SLC26A4-related condition. Last evaluated: 2026-03-31. Review status: criteria provided, single submitter. Criteria: ACMG Guidelines, 2015. Collection method: clinical testing. Allele origin: germline.
Comment: The SLC26A4 c.1342-2_1343dupAGTC variant is predicted to result in an intronic duplication. This variant is predicted to alter splicing based on available splicing prediction software (SpliceAI, Jaganathan et al. 2019. PubMed ID: 30661751). However, the use of computer prediction softwares is not equivalent to functional evidence. This variant has been reported along with a second SLC26A4 variant in individuals with an enlarged vestibular aqueduct (described as 1343-1344insAGTC in Pryor et al. 2005. PubMed ID: 15689455; described as c.1340_1343dup in Choi et al. 2009. PubMed ID: 19204907). This variant is reported in 0.0078% of alleles in individuals of European (Non-Finnish) descent in gnomAD. Taken together, this variant is interpreted as pathogenic.

Labcorp Genetics (formerly Invitae), Labcorp
Classification: Pathogenic. Last evaluated: 2026-01-15. Review status: criteria provided, single submitter. Criteria: Invitae Variant Classification Sherloc (09022015). Collection method: clinical testing. Allele origin: germline.
Comment: This sequence change falls in intron 11 of the SLC26A4 gene. It does not directly change the encoded amino acid sequence of the SLC26A4 protein. This variant is present in population databases (rs756270039, gnomAD 0.009%). This variant has been observed in individuals with deafness with enlargement of the vestibular aqueduct (PMID: 15689455, 19204907). This variant is also known as c.1342-2_1343dup (p.Leu450Glyfs*19) if splicing occurs at the native splice site. It is also referred to as c.1340_1343dup and 1343–1344insAGTC in the literature. ClinVar contains an entry for this variant (Variation ID: 43506). For these reasons, this variant has been classified as Pathogenic.

Women's Health and Genetics/Laboratory Corporation of America, LabCorp
Classification: Pathogenic for Pendred syndrome. Last evaluated: 2025-12-15. Review status: criteria provided, single submitter. Criteria: LabCorp Variant Classification Summary - May 2015. Collection method: clinical testing. Allele origin: germline.
Comment: Variant summary: SLC26A4 c.1342-2_1343dupAGTC, also reported as c.1343_1344insACTC and c.1340_1343dup in the literature, is located in a canonical splice-site and is predicted to affect mRNA splicing resulting in a significantly altered protein due to either exon skipping, shortening, or inclusion of intronic material. Variants that disrupt the consensus splice site are a relatively common cause of aberrant splicing and loss of SLC26A4 function. Several computational tools predict a significant impact on normal splicing: Four predict the variant abolishes the canonical 3' acceptor site and creates a new 3' acceptor site. However, these predictions have yet to be confirmed by functional studies. The variant allele was found at a frequency of 3.6e-05 in 251046 control chromosomes. c.1342-2_1343dupAGTC has been observed in individuals with enlargement of the vestibular aqueduct (e.g. Pryor_2005, Choi_2009). These data indicate that the variant is likely to be associated with disease. To our knowledge, no experimental evidence demonstrating an impact on protein function has been reported. The following publications have been ascertained in the context of this evaluation (PMID: 19204907, 15689455). ClinVar contains an entry for this variant (Variation ID: 43506). Based on the evidence outlined above, the variant was classified as pathogenic.

Fulgent Genetics
Classification: Pathogenic for Pendred syndrome; Autosomal recessive nonsyndromic hearing loss 4. Last evaluated: 2024-04-11. Review status: criteria provided, single submitter. Criteria: ACMG Guidelines, 2015. Collection method: clinical testing. Allele origin: germline.

Baylor Genetics
Classification: Pathogenic for Autosomal recessive nonsyndromic hearing loss 4. Last evaluated: 2024-03-18. Review status: criteria provided, single submitter. Criteria: ACMG Guidelines, 2015. Collection method: clinical testing. Allele origin: unknown.

Blueprint Genetics
Classification: Pathogenic for SLC26A4-related disorders. Last evaluated: 2023-09-29. Review status: criteria provided, single submitter. Criteria: ACMG Guidelines, 2015. Collection method: clinical testing. Allele origin: germline. Affected: yes. Observed: 5 variant alleles.

GeneDx
Classification: Pathogenic. Last evaluated: 2023-06-19. Review status: criteria provided, single submitter. Criteria: GeneDx Variant Classification Process June 2021. Collection method: clinical testing. Allele origin: germline. Affected: yes.
Comment: Frameshift variant predicted to result in protein truncation or nonsense-mediated mRNA decay in a gene for which loss-of-function is a known mechanism of disease; In silico analysis supports that this variant does not alter splicing; This variant is associated with the following publications: (PMID: 19204907, 21704276, 31589614, 15689455)

Revvity Omics, Revvity
Classification: Pathogenic. Last evaluated: 2023-02-03. Review status: criteria provided, single submitter. Criteria: ACMG Guidelines, 2015. Collection method: clinical testing. Allele origin: germline.

Laboratory for Molecular Medicine, Mass General Brigham Personalized Medicine
Classification: Pathogenic for Rare genetic deafness. Last evaluated: 2012-04-27. Review status: criteria provided, single submitter. Criteria: LMM Criteria. Collection method: clinical testing. Allele origin: germline. Inheritance: Autosomal recessive inheritance. Observed: 6 variant alleles.
Comment: The 1342-2_1343dupAGTC variant in SLC26A4 has been reported as a compound hetero zygous variant in 3 individuals with enlarged vestibular aqueducts (EVA) and has been identified by our laboratory in 3 other individuals each of whom has a sec ond pathogenic SLC26A4 variant (Choi 2009, LMM unpublished data). This variant l eads to the duplication of a conserved splice site at the beginning of exon 12, which could either deleteriously affect splicing of the transcript or cause a fr ameshift if 4 additional bases are included in the exon. In summary, this varian t meets our criteria to be classified as pathogenic (MM).

Natera, Inc.
Classification: Pathogenic for Pendred syndrome. Last evaluated: 2020-11-23. Review status: no assertion criteria provided. Collection method: clinical testing. Allele origin: germline. Not counted in ClinVar's aggregate classification.

Literature cited by the submitters: PubMed 20301640 (cited by Victorian Clinical Genetics Services, Murdoch Childrens Research Institute); PubMed 19204907 (cited by 4 submitters); PubMed 20601923 (cited by Victorian Clinical Genetics Services, Murdoch Childrens Research Institute); PubMed 15689455 (cited by Labcorp Genetics (formerly Invitae), Labcorp and Women's Health and Genetics/Laboratory Corporation of America, LabCorp).

NM_000441.1(SLC26A4):c.1342-2_1343dup

Gene: SLC26A4 (solute carrier family 26 member 4; plus strand). Cytogenetic location: 7q22.3.
Variant type: Duplication.
Coding change: c.1342-2_1343dup on transcript NM_000441.1; the canonical splice acceptor site of the intron before coding-DNA position 1342 through coding-DNA position 1343, 4 bases duplicated (AGTC; older notation c.1342-2_1343dupAGTC).
Molecular consequence: splice acceptor variant (on NM_000441.2).
Genome position (GRCh38, 1-based): chr7:107,694,619-107,694,622, AGTC duplicated; duplicating any 4 consecutive bases within chr7:107,694,618-107,694,622 gives the same sequence; the c. name uses the placement nearest the transcript's 3' end. VCF-style (leftmost placement, unchanged base first): chr7-107694617-G-GCAGT. GRCh37 (hg19) VCF-style: chr7-107335062-G-GCAGT.
Other names: NM_000441.1; p.?; c.1342-2_1343dupAGTC (NM_000441.1, NM_000441.2); c.1342-2_1343dup (NM_000441.2).
Identifiers: ClinVar variation 43506 (VCV000043506.28), dbSNP rs111033407, ClinGen allele CA261411.